The following is an entry in ClinVar:

NM_001089.3(ABCA3):c.292C>T (p.Arg98Cys)

Gene: ABCA3 (ATP binding cassette subfamily A member 3; minus strand). Cytogenetic location: 16p13.3.
Variant type: single nucleotide variant.
Coding change: c.292C>T on transcript NM_001089.3 (MANE Select); coding-DNA position 292, C replaced by T.
Protein change: p.Arg98Cys; replaces arginine 98 with cysteine.
Molecular consequence: missense variant.
Genome position (GRCh38, 1-based): chr16:2,326,037, G>A on the plus strand (C>T on the coding strand, the complement: ABCA3 is on the minus strand). VCF-style: chr16-2326037-G-A. GRCh37 (hg19) VCF-style: chr16-2376038-G-A.
Other names: short protein forms R98C.
Identifiers: ClinVar variation 2505773 (VCV002505773.2), dbSNP rs746902527, ClinGen allele CA7841744.
Genomic context (GRCh38, chr16:2,326,037, plus strand): 5'-AGGCCTGGCACCGAGAGCCCCGGCATGTCTCACCTCGCATGTTGATCACAAGTGCCCTGC[G>A]CACTGTCTCAGTGACGGTCTTGGCAGCGTCACTGTGAGAAGGGATGTAGGCAAGCTCCCA-3'
Protein context (NP_001080.2, residues 88-108): DAAKTVTETV[Arg98Cys]RALVINMRVR

ClinVar aggregate classification (germline): Uncertain significance. Review status: criteria provided, multiple submitters, no conflicts (2 of 4 stars). 2 submissions from 2 submitters: Uncertain significance (2). Last evaluated 2025-01-19.

Conditions:
Hereditary pulmonary alveolar proteinosis. Also called: Pulmonary surfactant metabolism dysfunction. Identifiers: Orphanet 264675, MedGen C3711368, MONDO:0012580.

Allele frequency attached by ClinVar (database versions not stated): gnomAD 0.00001; TOPMed 0.00004; ExAC 0.00005; gnomAD exomes 0.00005.
gnomAD v4.1: 80 of 1,613,918 alleles (0.005%); highest among the groups gnomAD compares: South Asian, 0.033%; no homozygotes.

Submissions (2):

Ambry Genetics
Classification: Uncertain significance for Hereditary pulmonary alveolar proteinosis. Last evaluated: 2025-01-19. Review status: criteria provided, single submitter. Criteria: Ambry Variant Classification Scheme 2023. Collection method: clinical testing. Allele origin: germline.

GeneDx
Classification: Uncertain significance. Last evaluated: 2022-12-15. Review status: criteria provided, single submitter. Criteria: GeneDx Variant Classification Process June 2021. Collection method: clinical testing. Allele origin: germline. Affected: yes.
Comment: In silico analysis supports that this missense variant has a deleterious effect on protein structure/function; Has not been previously published as pathogenic or benign to our knowledge